The following is an entry in ClinVar:

NM_182914.3(SYNE2):c.8862G>T (p.Ala2954=)

Gene: SYNE2 (spectrin repeat containing nuclear envelope protein 2; plus strand). Cytogenetic location: 14q23.2.
Variant type: single nucleotide variant.
Coding change: c.8862G>T on transcript NM_182914.3 (MANE Select); coding-DNA position 8862, G replaced by T.
Protein change: p.Ala2954=; no amino-acid change (alanine 2954 retained).
Molecular consequence: synonymous variant.
Genome position (GRCh38, 1-based): chr14:64,052,775, G>T. VCF-style: chr14-64052775-G-T. GRCh37 (hg19) VCF-style: chr14-64519493-G-T.
Other names: c.8862G>T, p.Ala2954= (NM_015180.6).
Identifiers: ClinVar variation 313540 (VCV000313540.14), dbSNP rs373930498, ClinGen allele CA7221174.
Genomic context (GRCh38, chr14:64,052,775, plus strand): 5'-ATGTAATGAAGTGGAACACAAGATAAAGTTTTGCAGACAATTCCATGAAAAAACATCAGC[G>T]CTTCAGGAGGAGGCTGACAGTATACAGCGCAATGAACTATTACTTAATCAAGAAGTAAAT-3'
Protein context (NP_878918.2, residues 2944-2964): FCRQFHEKTS[Ala2954=]LQEEADSIQR

ClinVar aggregate classification (germline): Likely benign. Review status: criteria provided, multiple submitters, no conflicts (2 of 4 stars). 3 submissions from 3 submitters: Likely benign (3). Last evaluated 2024-06-27.

Conditions:
Emery-Dreifuss muscular dystrophy 5, autosomal dominant (EDMD5). Also called: EMERY-DREIFUSS MUSCULAR DYSTROPHY 5. Identifiers: Orphanet 261, MedGen C2751805, MONDO:0013072, OMIM 612999.

Allele frequency attached by ClinVar (database versions not stated): TOPMed 0.00003; gnomAD 0.00006; ESP Exome Variant Server 0.00017.
gnomAD v4.1: 56 of 1,612,192 alleles (0.0035%); highest among the groups gnomAD compares: Non-Finnish European, 0.0045%; no homozygotes.

Submissions (3):

Blueprint Genetics
Classification: Likely benign. Last evaluated: 2024-06-27. Review status: criteria provided, single submitter. Criteria: ACMG Guidelines, 2015. Collection method: clinical testing. Allele origin: germline.

Labcorp Genetics (formerly Invitae), Labcorp
Classification: Likely benign for Emery-Dreifuss muscular dystrophy 5, autosomal dominant. Last evaluated: 2020-06-26. Review status: criteria provided, single submitter. Criteria: Invitae Variant Classification Sherloc (09022015). Collection method: clinical testing. Allele origin: germline.

Illumina Laboratory Services, Illumina
Classification: Likely benign for Emery-Dreifuss muscular dystrophy 5, autosomal dominant. Last evaluated: 2018-01-13. Review status: criteria provided, single submitter. Criteria: ICSL Variant Classification Criteria 13 December 2019. Collection method: clinical testing. Allele origin: germline.
Comment: This variant was observed in the ICSL laboratory as part of a predisposition screen in an ostensibly healthy population. It had not been previously curated by ICSL or reported in the Human Gene Mutation Database (HGMD: prior to June 1st, 2018), and was therefore a candidate for classification through an automated scoring system. Utilizing variant allele frequency, disease prevalence and penetrance estimates, and inheritance mode, an automated score was calculated to assess if this variant is too frequent to cause the disease. Based on the score and internal cut-off values, a variant classified as likely benign is not then subjected to further curation. The score for this variant resulted in a classification of likely benign for this disease.